The following is an entry in ClinVar:

ClinVar aggregate classification (germline): Uncertain significance (1 of 4 stars; one submission).

Conditions:
Hereditary cancer-predisposing syndrome. Also called: Hereditary Cancer Syndrome; Tumor predisposition; Hereditary neoplastic syndrome; Neoplastic Syndromes, Hereditary. Identifiers: Orphanet 140162, MedGen C0027672, MeSH D009386, MONDO:0015356.

Allele frequency attached by ClinVar (database versions not stated): gnomAD 0.00001.
gnomAD v4.1: 1 of 1,612,922 alleles (0.000062%); highest among the groups gnomAD compares: Admixed American, 0.0017%; no homozygotes.

Submission:

Labcorp Genetics (formerly Invitae), Labcorp
Classification: Uncertain significance for Hereditary cancer-predisposing syndrome. Last evaluated: 2020-08-10. Review status: criteria provided, single submitter. Criteria: Invitae Variant Classification Sherloc (09022015). Collection method: clinical testing. Allele origin: germline.
Comment: This sequence change replaces aspartic acid with glycine at codon 631 of the RAD50 protein (p.Asp631Gly). The aspartic acid residue is moderately conserved and there is a moderate physicochemical difference between aspartic acid and glycine. This variant is not present in population databases (ExAC no frequency). This variant has not been reported in the literature in individuals with RAD50-related conditions. Algorithms developed to predict the effect of missense changes on protein structure and function (SIFT, PolyPhen-2, Align-GVGD) all suggest that this variant is likely to be tolerated, but these predictions have not been confirmed by published functional studies and their clinical significance is uncertain. In summary, the available evidence is currently insufficient to determine the role of this variant in disease. Therefore, it has been classified as a Variant of Uncertain Significance.

NM_005732.4(RAD50):c.1892A>G (p.Asp631Gly)

Gene: RAD50 (RAD50 double strand break repair protein; plus strand). Cytogenetic location: 5q31.1.
Variant type: single nucleotide variant.
Coding change: c.1892A>G on transcript NM_005732.4 (MANE Select); coding-DNA position 1892, A replaced by G.
Protein change: p.Asp631Gly; replaces aspartic acid 631 with glycine.
Molecular consequence: missense variant.
Genome position (GRCh38, 1-based): chr5:132,594,967, A>G. VCF-style: chr5-132594967-A-G. GRCh37 (hg19) VCF-style: chr5-131930659-A-G.
Other names: short protein forms D631G.
Identifiers: ClinVar variation 1053749 (VCV001053749.9), dbSNP rs1372866109, ClinGen allele CA360948033.